The following is an entry in ClinVar:

NM_000285.4(PEPD):c.1004G>A (p.Arg335His)

Gene: PEPD (peptidase D; minus strand). Cytogenetic location: 19q13.11.
Variant type: single nucleotide variant.
Coding change: c.1004G>A on transcript NM_000285.4 (MANE Select); coding-DNA position 1004, G replaced by A.
Protein change: p.Arg335His; replaces arginine 335 with histidine.
Molecular consequence: missense variant.
Genome position (GRCh38, 1-based): chr19:33,391,443, C>T on the plus strand (G>A on the coding strand, the complement: PEPD is on the minus strand). VCF-style: chr19-33391443-C-T. GRCh37 (hg19) VCF-style: chr19-33882349-C-T.
Other names: c.881G>A, p.Arg294His (NM_001166056.2); c.812G>A, p.Arg271His (NM_001166057.2); c.1004G>A (NM_000285.3); short protein forms R271H, R335H, R294H.
Identifiers: ClinVar variation 1346979 (VCV001346979.5), dbSNP rs766496514, ClinGen allele CA9364028.

ClinVar aggregate classification (germline): Uncertain significance. Review status: criteria provided, multiple submitters, no conflicts (2 of 4 stars). 2 submissions from 2 submitters: Uncertain significance (2). Last evaluated 2025-10-07.

Conditions:
Inborn genetic diseases. Identifiers: MedGen C0950123, MeSH D030342.

Allele frequency attached by ClinVar (database versions not stated): gnomAD 0.00004 and 0.00001; gnomAD exomes 0.00019 and 0.00008; ExAC 0.00044; TOPMed 0.00001.
gnomAD v4.1: 117 of 1,558,110 alleles (0.0075%); highest among the groups gnomAD compares: South Asian, 0.1%; 3 homozygotes.

Submissions (2):

Ambry Genetics
Classification: Uncertain significance for Inborn genetic diseases. Last evaluated: 2025-10-07. Review status: criteria provided, single submitter. Criteria: Ambry Variant Classification Scheme 2023. Collection method: clinical testing. Allele origin: germline.

Labcorp Genetics (formerly Invitae), Labcorp
Classification: Uncertain significance. Last evaluated: 2021-10-14. Review status: criteria provided, single submitter. Criteria: Invitae Variant Classification Sherloc (09022015). Collection method: clinical testing. Allele origin: germline.
Comment: This sequence change replaces arginine with histidine at codon 335 of the PEPD protein (p.Arg335His). The arginine residue is highly conserved and there is a small physicochemical difference between arginine and histidine. This variant is present in population databases (rs766496514, ExAC 0.1%). This variant has not been reported in the literature in individuals affected with PEPD-related conditions. Algorithms developed to predict the effect of missense changes on protein structure and function are either unavailable or do not agree on the potential impact of this missense change (SIFT: "Deleterious"; PolyPhen-2: "Probably Damaging"; Align-GVGD: "Class C0"). In summary, the available evidence is currently insufficient to determine the role of this variant in disease. Therefore, it has been classified as a Variant of Uncertain Significance.